The following is an entry in ClinVar:

NM_022081.6(HPS4):c.2079C>T (p.Ser693=)

Gene: HPS4 (HPS4 biogenesis of lysosomal organelles complex 3 subunit 2; minus strand). Cytogenetic location: 22q12.1.
Variant type: single nucleotide variant.
Coding change: c.2079C>T on transcript NM_022081.6 (MANE Select); coding-DNA position 2079, C replaced by T.
Protein change: p.Ser693=; no amino-acid change (serine 693 retained).
Molecular consequence: synonymous variant. On other transcripts: missense variant (2), non-coding transcript variant (8), intron variant (2).
Genome position (GRCh38, 1-based): chr22:26,453,281, G>A on the plus strand (C>T on the coding strand, the complement: HPS4 is on the minus strand). VCF-style: chr22-26453281-G-A. GRCh37 (hg19) VCF-style: chr22-26849247-G-A.
Other names: p.Ser693=; c.2079C>T, p.Ser693= (NM_001349896.1, NM_001349898.2, NM_001349899.2); c.2133C>T, p.Ser711= (NM_001349900.2, NM_001349901.1); c.1837C>T, p.Arg613Trp (NM_001349902.1, NM_001349903.2); c.2064C>T, p.Ser688= (NM_152841.2); c.1955+4578C>T (NM_001349905.1, NM_001349904.2); short protein forms R613W.
Identifiers: ClinVar variation 211152 (VCV000211152.25), dbSNP rs138189133, ClinGen allele CA209690.

ClinVar aggregate classification (germline): Benign/Likely benign. Review status: criteria provided, multiple submitters, no conflicts (2 of 4 stars). 7 submissions from 7 submitters: Benign (3); Likely benign (1). 3 of the submissions do not count toward it. Last evaluated 2026-02-01.

Conditions:
Hermansky-Pudlak syndrome 4 (HPS4). Identifiers: Orphanet 231500, Orphanet 79430, MedGen C3484357, MONDO:0013556, OMIM 614073.
HPS4-related disorder. Also called: HPS4-related condition.

Allele frequency attached by ClinVar (database versions not stated): gnomAD 0.00002 and 0.00106; ESP Exome Variant Server 0.00008; TOPMed 0.00023; gnomAD exomes 0.00210 and 0.00441; ExAC 0.00501; 1000 Genomes Project 30x 0.00547; 1000 Genomes Project 0.00599.
gnomAD v4.1: 3,242 of 1,614,206 alleles (0.2%); highest among the groups gnomAD compares: South Asian, 3.3%; 79 homozygotes.

Submissions (7):

Labcorp Genetics (formerly Invitae), Labcorp
Classification: Benign. Last evaluated: 2026-02-01. Review status: criteria provided, single submitter. Criteria: Invitae Variant Classification Sherloc (09022015). Collection method: clinical testing. Allele origin: germline.

Mayo Clinic Laboratories, Mayo Clinic
Classification: Benign. Last evaluated: 2025-01-23. Review status: criteria provided, single submitter. Criteria: ACMG Guidelines, 2015. Collection method: clinical testing. Allele origin: germline. Observed: 1 variant allele.
Comment: BS1, BS2, BP4, BP7

Illumina Laboratory Services, Illumina
Classification: Benign for Hermansky-Pudlak syndrome 4. Last evaluated: 2018-01-13. Review status: criteria provided, single submitter. Criteria: ICSL Variant Classification Criteria 13 December 2019. Collection method: clinical testing. Allele origin: germline.
Comment: This variant was observed in the ICSL laboratory as part of a predisposition screen in an ostensibly healthy population. It had not been previously curated by ICSL or reported in the Human Gene Mutation Database (HGMD: prior to June 1st, 2018), and was therefore a candidate for classification through an automated scoring system. Utilizing variant allele frequency, disease prevalence and penetrance estimates, and inheritance mode, an automated score was calculated to assess if this variant is too frequent to cause the disease. Based on the score and internal cut-off values, a variant classified as benign is not then subjected to further curation. The score for this variant resulted in a classification of benign for this disease.

Genetic Services Laboratory, University of Chicago
Classification: Likely benign. Last evaluated: 2015-07-28. Review status: criteria provided, single submitter. Criteria: ACMG Guidelines, 2015. Collection method: clinical testing. Allele origin: germline.

PreventionGenetics, part of Exact Sciences
Classification: Benign for HPS4-related condition. Last evaluated: 2019-09-10. Review status: no assertion criteria provided. Collection method: clinical testing. Allele origin: germline. Not counted in ClinVar's aggregate classification.
Comment: This variant is classified as benign based on ACMG/AMP sequence variant interpretation guidelines (Richards et al. 2015 PMID: 25741868, with internal and published modifications).

Clinical Genetics DNA and cytogenetics Diagnostics Lab, Erasmus MC, Erasmus Medical Center
Classification: Likely benign. Review status: no assertion criteria provided. Collection method: clinical testing. Allele origin: germline. Affected: yes. Study: VKGL Data-share Consensus. Not counted in ClinVar's aggregate classification.

Clinical Genetics, Academic Medical Center
Classification: Benign. Review status: no assertion criteria provided. Collection method: clinical testing. Allele origin: germline. Affected: yes. Study: VKGL Data-share Consensus. Not counted in ClinVar's aggregate classification.